The following is an entry in ClinVar:

ClinVar aggregate classification (germline): Uncertain significance (1 of 4 stars; one submission).

Conditions:
Ullrich congenital muscular dystrophy 2 (UCMD2). Identifiers: Orphanet 75840, MedGen C4225314, MONDO:0014654, OMIM 616470.
Bethlem myopathy 2 (BTHLM2). Identifiers: Orphanet 536516, Orphanet 610, MedGen C4225313, MONDO:0034022, OMIM 616471.

Submission:

Labcorp Genetics (formerly Invitae), Labcorp
Classification: Uncertain significance for Bethlem myopathy 2; Ullrich congenital muscular dystrophy 2. Last evaluated: 2021-11-26. Review status: criteria provided, single submitter. Criteria: Invitae Variant Classification Sherloc (09022015). Collection method: clinical testing. Allele origin: germline.
Comment: In summary, the available evidence is currently insufficient to determine the role of this variant in disease. Therefore, it has been classified as a Variant of Uncertain Significance. Algorithms developed to predict the effect of missense changes on protein structure and function are either unavailable or do not agree on the potential impact of this missense change (SIFT: "Deleterious"; PolyPhen-2: "Probably Damaging"; Align-GVGD: "Class C0"). This variant has not been reported in the literature in individuals affected with COL12A1-related conditions. This variant is not present in population databases (gnomAD no frequency). This sequence change replaces leucine, which is neutral and non-polar, with proline, which is neutral and non-polar, at codon 72 of the COL12A1 protein (p.Leu72Pro).

NM_004370.6(COL12A1):c.215T>C (p.Leu72Pro)

Gene: COL12A1 (collagen type XII alpha 1 chain; minus strand). Cytogenetic location: 6q13.
Variant type: single nucleotide variant.
Coding change: c.215T>C on transcript NM_004370.6 (MANE Select); coding-DNA position 215, T replaced by C.
Protein change: p.Leu72Pro; replaces leucine 72 with proline.
Molecular consequence: missense variant. On other transcripts: intron variant (1).
Genome position (GRCh38, 1-based): chr6:75,192,331, A>G on the plus strand (T>C on the coding strand, the complement: COL12A1 is on the minus strand). VCF-style: chr6-75192331-A-G. GRCh37 (hg19) VCF-style: chr6-75902047-A-G.
Other names: c.73+10389T>C (NM_080645.3); short protein forms L72P.
Identifiers: ClinVar variation 1355610 (VCV001355610.6), dbSNP rs1562315490, ClinGen allele CA364731193.